The following is an entry in ClinVar:

ClinVar aggregate classification (germline): Uncertain significance. Review status: criteria provided, multiple submitters, no conflicts (2 of 4 stars). 2 submissions from 2 submitters: Uncertain significance (2). Last evaluated 2025-12-16.

gnomAD v4.1: 7 of 1,612,232 alleles (0.00043%); highest among the groups gnomAD compares: Non-Finnish European, 0.00059%; no homozygotes.

Submissions (2):

Ambry Genetics
Classification: Uncertain significance. Last evaluated: 2025-12-16. Review status: criteria provided, single submitter. Criteria: Ambry Variant Classification Scheme 2023. Collection method: clinical testing. Allele origin: germline.

Labcorp Genetics (formerly Invitae), Labcorp
Classification: Uncertain significance. Last evaluated: 2025-03-16. Review status: criteria provided, single submitter. Criteria: Invitae Variant Classification Sherloc (09022015). Collection method: clinical testing. Allele origin: germline.
Comment: This sequence change replaces arginine, which is basic and polar, with tryptophan, which is neutral and slightly polar, at codon 112 of the RPL35 protein (p.Arg112Trp). This variant is not present in population databases (gnomAD no frequency). This variant has not been reported in the literature in individuals affected with RPL35-related conditions. An algorithm developed to predict the effect of missense changes on protein structure and function (PolyPhen-2) suggests that this variant is likely to be tolerated. In summary, the available evidence is currently insufficient to determine the role of this variant in disease. Therefore, it has been classified as a Variant of Uncertain Significance.

NM_007209.4(RPL35):c.334C>T (p.Arg112Trp)

Gene: RPL35 (ribosomal protein L35; minus strand). Cytogenetic location: 9q33.3.
Variant type: single nucleotide variant.
Coding change: c.334C>T on transcript NM_007209.4 (MANE Select); coding-DNA position 334, C replaced by T.
Protein change: p.Arg112Trp; replaces arginine 112 with tryptophan.
Molecular consequence: missense variant.
Genome position (GRCh38, 1-based): chr9:124,857,956, G>A on the plus strand (C>T on the coding strand, the complement: RPL35 is on the minus strand). VCF-style: chr9-124857956-G-A. GRCh37 (hg19) VCF-style: chr9-127620235-G-A.
Other names: c.334C>T (NM_007209.3); short protein forms R112W.
Identifiers: ClinVar variation 4754188 (VCV004754188.2).
Genomic context (GRCh38, chr9:124,857,956, plus strand): 5'-TGCTTTATTGACAATGCGCCCCTCAGGCCTTGACCGCGTACTTCCGCAGCGGGTACAGCC[G>A]CTCCTTCCGCTGCTGCTTCTTGGTCTTCAGGTTCTCCTCGTGCTTGTTGAGCCGGCGGCG-3'
Protein context (NP_009140.1, residues 102-122): LKTKKQQRKE[Arg112Trp]LYPLRKYAVK